The following is an entry in ClinVar:

ClinVar aggregate classification (germline): Likely benign (1 of 4 stars; one submission).

Allele frequency attached by ClinVar (database versions not stated): gnomAD 0.00115; TOPMed 0.00125; ExAC 0.00176; ESP Exome Variant Server 0.00185; gnomAD exomes 0.00200.
gnomAD v4.1: 3,134 of 1,613,688 alleles (0.19%); highest among the groups gnomAD compares: Non-Finnish European, 0.24%; 7 homozygotes.

Submission:

CeGaT Center for Human Genetics Tuebingen
Classification: Likely benign. Last evaluated: 2023-03-01. Review status: criteria provided, single submitter. Criteria: CeGaT Center For Human Genetics Tuebingen Variant Classification Criteria Version 2. Collection method: clinical testing. Allele origin: germline. Affected: yes. Observed: 1 variant allele.
Comment: TMEM131L: BP4, BP7

NM_001131007.2(TMEM131L):c.3993C>T (p.Ser1331=)

Gene: TMEM131L (transmembrane 131 like; plus strand). Cytogenetic location: 4q31.3.
Variant type: single nucleotide variant.
Coding change: c.3993C>T on transcript NM_001131007.2 (MANE Select); coding-DNA position 3993, C replaced by T.
Protein change: p.Ser1331=; no amino-acid change (serine 1331 retained).
Molecular consequence: synonymous variant.
Genome position (GRCh38, 1-based): chr4:153,623,031, C>T. VCF-style: chr4-153623031-C-T. GRCh37 (hg19) VCF-style: chr4-154544183-C-T.
Other names: c.3990C>T, p.Ser1330= (NM_015196.4).
Identifiers: ClinVar variation 2655136 (VCV002655136.24), dbSNP rs145577976, ClinGen allele CA3110332.